The following is an entry in ClinVar:

ClinVar aggregate classification (germline): Uncertain significance (1 of 4 stars; one submission).

Conditions:
Inborn genetic diseases. Identifiers: MedGen C0950123, MeSH D030342.

gnomAD v4.1: 2 of 1,613,818 alleles (0.00012%); highest among the groups gnomAD compares: Non-Finnish European, 0.00017%; no homozygotes.

Submission:

Ambry Genetics
Classification: Uncertain significance for Inborn genetic diseases. Last evaluated: 2025-01-11. Review status: criteria provided, single submitter. Criteria: Ambry Variant Classification Scheme 2023. Collection method: clinical testing. Allele origin: germline.
Comment: The p.Q358K variant (also known as c.1072C>A), located in coding exon 1 of the SAMD9L gene, results from a C to A substitution at nucleotide position 1072. The glutamine at codon 358 is replaced by lysine, an amino acid with similar properties. This amino acid position is conserved. In addition, this alteration is predicted to be tolerated by in silico analysis. Based on the available evidence, the clinical significance of this variant remains unclear.

NM_152703.5(SAMD9L):c.1072C>A (p.Gln358Lys)

Gene: SAMD9L (sterile alpha motif domain containing 9 like; minus strand). Cytogenetic location: 7q21.2.
Variant type: single nucleotide variant.
Coding change: c.1072C>A on transcript NM_152703.5 (MANE Select); coding-DNA position 1072, C replaced by A.
Protein change: p.Gln358Lys; replaces glutamine 358 with lysine.
Molecular consequence: missense variant.
Genome position (GRCh38, 1-based): chr7:93,134,900, G>T on the plus strand (C>A on the coding strand, the complement: SAMD9L is on the minus strand). VCF-style: chr7-93134900-G-T. GRCh37 (hg19) VCF-style: chr7-92764213-G-T.
Other names: c.1072C>A, p.Gln358Lys (NM_001303496.3, NM_001303497.3, NM_001303498.3 and 5 more transcripts); short protein forms Q358K.
Identifiers: ClinVar variation 3792301 (VCV003792301.1).